The following is an entry in ClinVar:

ClinVar aggregate classification (germline): Uncertain significance. Review status: criteria provided, multiple submitters, no conflicts (2 of 4 stars). 2 submissions from 2 submitters: Uncertain significance (2). Last evaluated 2023-04-19.

Submissions (2):

Labcorp Genetics (formerly Invitae), Labcorp
Classification: Uncertain significance. Last evaluated: 2023-04-19. Review status: criteria provided, single submitter. Criteria: Invitae Variant Classification Sherloc (09022015). Collection method: clinical testing. Allele origin: germline.
Comment: This sequence change replaces valine, which is neutral and non-polar, with methionine, which is neutral and non-polar, at codon 89 of the CAMK2G protein (p.Val89Met). This variant is not present in population databases (gnomAD no frequency). This variant has not been reported in the literature in individuals affected with CAMK2G-related conditions. ClinVar contains an entry for this variant (Variation ID: 1810720). An algorithm developed to predict the effect of missense changes on protein structure and function (PolyPhen-2) suggests that this variant is likely to be disruptive. In summary, the available evidence is currently insufficient to determine the role of this variant in disease. Therefore, it has been classified as a Variant of Uncertain Significance.

GeneDx
Classification: Uncertain significance. Last evaluated: 2022-07-08. Review status: criteria provided, single submitter. Criteria: GeneDx Variant Classification Process June 2021. Collection method: clinical testing. Allele origin: germline. Affected: yes.
Comment: Not observed at significant frequency in large population cohorts (gnomAD); In silico analysis supports that this missense variant does not alter protein structure/function; Has not been previously published as pathogenic or benign to our knowledge

NM_001367534.1(CAMK2G):c.265G>A (p.Val89Met)

Gene: CAMK2G (calcium/calmodulin dependent protein kinase II gamma; minus strand). Cytogenetic location: 10q22.2.
Variant type: single nucleotide variant.
Coding change: c.265G>A on transcript NM_001367534.1 (MANE Select); coding-DNA position 265, G replaced by A.
Protein change: p.Val89Met; replaces valine 89 with methionine.
Molecular consequence: missense variant. On other transcripts: 5 prime UTR variant (2), non-coding transcript variant (6), intron variant (4).
Genome position (GRCh38, 1-based): chr10:73,853,202, C>T on the plus strand (G>A on the coding strand, the complement: CAMK2G is on the minus strand). VCF-style: chr10-73853202-C-T. GRCh37 (hg19) VCF-style: chr10-75612960-C-T.
Other names: c.265G>A, p.Val89Met (NM_001204492.2, NM_001222.4, NM_001320898.2 and 28 more transcripts); c.241G>A, p.Val81Met (NM_001367514.1, NM_001367525.1, NM_001367532.1); c.-307G>A (NM_001367540.1); c.-489G>A (NM_001367542.1); c.30-3869G>A (NM_001367537.1, NM_001367538.1); c.30-883G>A (NM_001367539.1, NM_001367524.1); short protein forms V81M, V89M.
Identifiers: ClinVar variation 1810720 (VCV001810720.4), dbSNP rs2548645478, ClinGen allele CA377252778.
Genomic context (GRCh38, chr10:73,853,202, plus strand): 5'-TGAGTCAGCTAGAGGGAAAGGCCCCCACACCCTCAGAAAGTGGCACTTACAGGTCAAACA[C>T]GAGGTAGTGAAACCCTTCTTCAGAAATACTGTCATGGAGGCGCACTGCAAGAGAGGAGAT-3'
Protein context (NP_001354463.1, residues 79-99): SISEEGFHYL[Val89Met]FDLVTGGELF